The following is an entry in ClinVar:

NM_024741.3(ZNF408):c.1724G>C (p.Gly575Ala)

Gene: ZNF408 (zinc finger protein 408; plus strand). Cytogenetic location: 11p11.2.
Variant type: single nucleotide variant.
Coding change: c.1724G>C on transcript NM_024741.3 (MANE Select); coding-DNA position 1724, G replaced by C.
Protein change: p.Gly575Ala; replaces glycine 575 with alanine.
Molecular consequence: missense variant.
Genome position (GRCh38, 1-based): chr11:46,705,424, G>C. VCF-style: chr11-46705424-G-C. GRCh37 (hg19) VCF-style: chr11-46726974-G-C.
Other names: c.1700G>C, p.Gly567Ala (NM_001184751.2); short protein forms G567A, G575A.
Identifiers: ClinVar variation 1354637 (VCV001354637.9), dbSNP rs545860252, ClinGen allele CA5966633.

ClinVar aggregate classification (germline): Uncertain significance. Review status: criteria provided, multiple submitters, no conflicts (2 of 4 stars). 2 submissions from 2 submitters: Uncertain significance (2). Last evaluated 2024-09-17.

Allele frequency attached by ClinVar (database versions not stated): gnomAD 0.00001; TOPMed 0.00001; ExAC 0.00002; gnomAD exomes 0.00002; 1000 Genomes Project 30x 0.00016; 1000 Genomes Project 0.00020.

Submissions (2):

Blueprint Genetics
Classification: Uncertain significance. Last evaluated: 2024-09-17. Review status: criteria provided, single submitter. Criteria: ACMG Guidelines, 2015. Collection method: clinical testing. Allele origin: germline.

Labcorp Genetics (formerly Invitae), Labcorp
Classification: Uncertain significance. Last evaluated: 2020-12-08. Review status: criteria provided, single submitter. Criteria: Invitae Variant Classification Sherloc (09022015). Collection method: clinical testing. Allele origin: germline.
Comment: This sequence change replaces glycine with alanine at codon 575 of the ZNF408 protein (p.Gly575Ala). The glycine residue is highly conserved and there is a small physicochemical difference between glycine and alanine. This variant is present in population databases (rs545860252, ExAC 0.01%). This variant has not been reported in the literature in individuals with ZNF408-related conditions. Algorithms developed to predict the effect of missense changes on protein structure and function are either unavailable or do not agree on the potential impact of this missense change (SIFT: "Deleterious"; PolyPhen-2: "Probably Damaging"; Align-GVGD: "Class C0"). In summary, the available evidence is currently insufficient to determine the role of this variant in disease. Therefore, it has been classified as a Variant of Uncertain Significance.